The following is an entry in ClinVar:

NM_005120.3(MED12):c.2532C>G (p.Val844=)

Gene: MED12 (mediator complex subunit 12; plus strand). Cytogenetic location: Xq13.1.
Variant type: single nucleotide variant.
Coding change: c.2532C>G on transcript NM_005120.3 (MANE Select); coding-DNA position 2532, C replaced by G.
Protein change: p.Val844=; no amino-acid change (valine 844 retained).
Molecular consequence: synonymous variant.
Genome position (GRCh38, 1-based): chrX:71,126,145, C>G. VCF-style: chrX-71126145-C-G. GRCh37 (hg19) VCF-style: chrX-70345995-C-G.
Identifiers: ClinVar variation 2962415 (VCV002962415.3), dbSNP rs1269805533, ClinGen allele CA516819027.
Genomic context (GRCh38, chrX:71,126,145, plus strand): 5'-CACTGCTGAAGATATCTTTGCTAAGTTCCAGCACCTTTCACATTATGACCAACACCAGGT[C>G]ACGGCTCAGGTGTGGGCCTAAGCCCAGCCCCTTTCCCACATTCTGGCCTCCTGTTCTGTT-3'
Protein context (NP_005111.2, residues 834-854): QHLSHYDQHQ[Val844=]TAQVSRNVLE

ClinVar aggregate classification (germline): Uncertain significance (1 of 4 stars; one submission).

Conditions:
FG syndrome (FGS). Identifiers: MedGen C0220769, MONDO:0002010.

gnomAD v4.1: 2 of 1,204,611 alleles (0.00017%); highest among the groups gnomAD compares: African/African-American, 0.0035%; no homozygotes.

Submission:

Labcorp Genetics (formerly Invitae), Labcorp
Classification: Uncertain significance for FG syndrome. Last evaluated: 2023-11-14. Review status: criteria provided, single submitter. Criteria: Invitae Variant Classification Sherloc (09022015). Collection method: clinical testing. Allele origin: germline.
Comment: This sequence change affects codon 844 of the MED12 mRNA. It is a 'silent' change, meaning that it does not change the encoded amino acid sequence of the MED12 protein. This variant is not present in population databases (gnomAD no frequency). This variant has not been reported in the literature in individuals affected with MED12-related conditions. Algorithms developed to predict the effect of sequence changes on RNA splicing suggest that this variant may disrupt the consensus splice site. In summary, the available evidence is currently insufficient to determine the role of this variant in disease. Therefore, it has been classified as a Variant of Uncertain Significance.